The following is an entry in ClinVar:

ClinVar aggregate classification (germline): Likely pathogenic (1 of 4 stars; one submission).

Conditions:
VPS13A-related neurodegenerative disease. Also called: LEVINE-CRITCHLEY SYNDROME; Choreaacanthocytosis; ACANTHOCYTOSIS WITH NEUROLOGIC DISORDER; Choreoacanthocytosis; Chorea-acanthocytosis; VPS13A Disease. Identifiers: Orphanet 2388, MedGen C0393576, MONDO:0008695, OMIM 200150.

gnomAD v4.1: 3 of 1,612,942 alleles (0.00019%); highest among the groups gnomAD compares: Admixed American, 0.0017%; no homozygotes.

Submission:

Natera, Inc.
Classification: Likely pathogenic for Choreaacanthocytosis. Last evaluated: 2025-08-19. Review status: criteria provided, single submitter. Criteria: Natera Variant Classification Schema (03/2026). Collection method: clinical testing. Allele origin: germline.
Comment: The c.993G>A variant in VPS13A is a nonsense variant predicted to introduce a stop codon at amino acid 331. This variant is expected to result in nonsense mediated decay, truncation, or a dysfunctional protein product. This variant is rare in the general population with a frequency below the threshold expected for the associated phenotype(s). Given the available evidence, this variant is classified as Likely Pathogenic.

NM_033305.3(VPS13A):c.993G>A (p.Trp331Ter)

Gene: VPS13A (vacuolar protein sorting 13 homolog A; plus strand). Cytogenetic location: 9q21.2.
Variant type: single nucleotide variant.
Coding change: c.993G>A on transcript NM_033305.3 (MANE Select); coding-DNA position 993, G replaced by A.
Protein change: p.Trp331Ter; replaces tryptophan 331 with a stop codon.
Molecular consequence: nonsense.
Genome position (GRCh38, 1-based): chr9:77,221,188, G>A. VCF-style: chr9-77221188-G-A. GRCh37 (hg19) VCF-style: chr9-79836104-G-A.
Other names: c.993G>A, p.Trp331Ter (NM_001018037.2, NM_001018038.3, NM_015186.4); short protein forms W331*.
Identifiers: ClinVar variation 4816438 (VCV004816438.1).